The following is an entry in ClinVar:

ClinVar aggregate classification (germline): Uncertain significance (1 of 4 stars; one submission).

Submission:

Women's Health and Genetics/Laboratory Corporation of America, LabCorp
Classification: Uncertain significance. Last evaluated: 2018-09-17. Review status: criteria provided, single submitter. Criteria: LabCorp Variant Classification Summary - May 2015. Collection method: clinical testing. Allele origin: germline.
Comment: Variant summary: SMN1 c.835-24delT is located at a position not widely known to affect splicing. 5/5 computational tools predict no significant impact on normal splicing. However, these predictions have yet to be confirmed by functional studies. The variant allele was found at a frequency of 0.00022 in 115430 control chromosomes (ExAC). This frequency is not higher than expected for a pathogenic variant in SMN1 causing Spinal Muscular Atrophy (0.00022 vs 0.0025), allowing no conclusion about variant significance. To our knowledge, no occurrence of c.835-24delT in individuals affected with Spinal Muscular Atrophy and no experimental evidence demonstrating its impact on protein function have been reported. No clinical diagnostic laboratories have submitted clinical-significance assessments for this variant to ClinVar after 2014. Based on the evidence outlined above, the variant was classified as VUS-possibly benign.

NM_000344.4(SMN1):c.835-24del

Gene: SMN1 (survival of motor neuron 1, telomeric). Cytogenetic location: 5q13.2.
Variant type: Deletion.
Coding change: c.835-24del on transcript NM_000344.4 (MANE Select); 24 bases into the intron before coding-DNA position 835, one base deleted.
Molecular consequence: intron variant.
Genome position: GRCh38 VCF-style: chr5-70951909-AT-A. GRCh37 (hg19) VCF-style: chr5-70247736-AT-A.
Other names: c.835-522del (NM_001297715.1); c.739-24del (NM_022874.2); c.835-24delT (NM_000344.3).
Identifiers: ClinVar variation 632990 (VCV000632990.1), dbSNP rs555928635, ClinGen allele CA3295111.
Genomic context (GRCh38, chr5:70,951,909, plus strand): 5'-AAATGCTTTTTAACATCCATATAAAGCTATCTATATATAGCTATCTATGTCTATATAGCT[AT>A]TTTTTTTAACTTCCTTTATTTTCCTTACAGGGTTTCAGACAAAATCAAAAAGAAGGAAGG-3'